The following is an entry in ClinVar:

NM_000052.7(ATP7A):c.90T>G (p.Ile30Met)

Gene: ATP7A (ATPase copper transporting alpha; plus strand). Cytogenetic location: Xq21.1.
Variant type: single nucleotide variant.
Coding change: c.90T>G on transcript NM_000052.7 (MANE Select); coding-DNA position 90, T replaced by G.
Protein change: p.Ile30Met; replaces isoleucine 30 with methionine.
Molecular consequence: missense variant. On other transcripts: non-coding transcript variant (1).
Genome position (GRCh38, 1-based): chrX:77,971,731, T>G. VCF-style: chrX-77971731-T-G. GRCh37 (hg19) VCF-style: chrX-77227228-T-G.
Other names: c.90T>G, p.Ile30Met (NM_001282224.2); short protein forms I30M.
Identifiers: ClinVar variation 1437302 (VCV001437302.8), dbSNP rs2149073867, ClinGen allele CA413597805.

ClinVar aggregate classification (germline): Uncertain significance (1 of 4 stars; one submission).

Conditions:
X-linked distal spinal muscular atrophy type 3. Also called: ATP7A-Related Distal Motor Neuropathy; NEURONOPATHY, DISTAL HEREDITARY MOTOR, X-LINKED; NEUROPATHY, DISTAL HEREDITARY MOTOR, X-LINKED; SPINAL MUSCULAR ATROPHY, DISTAL, X-LINKED RECESSIVE. Identifiers: Orphanet 139557, MedGen C1845359, MONDO:0010338, OMIM 300489.
Menkes kinky-hair syndrome (MNK). Also called: Classic Menkes Disease; Copper transport disease; Menkes Disease. Identifiers: Orphanet 565, MedGen C0022716, MONDO:0010651, OMIM 309400.
Cutis laxa, X-linked (OHS). Also called: EDS IX; Occipital horn syndrome. Identifiers: Orphanet 198, MedGen C0268353, MONDO:0010572, OMIM 304150.

Submission:

Labcorp Genetics (formerly Invitae), Labcorp
Classification: Uncertain significance for X-linked distal spinal muscular atrophy type 3; Cutis laxa, X-linked; Menkes kinky-hair syndrome. Last evaluated: 2021-03-22. Review status: criteria provided, single submitter. Criteria: Invitae Variant Classification Sherloc (09022015). Collection method: clinical testing. Allele origin: germline.
Comment: In summary, the available evidence is currently insufficient to determine the role of this variant in disease. Therefore, it has been classified as a Variant of Uncertain Significance. Advanced modeling of protein sequence and biophysical properties (such as structural, functional, and spatial information, amino acid conservation, physicochemical variation, residue mobility, and thermodynamic stability) performed at Invitae indicates that this missense variant is not expected to disrupt ATP7A protein function. This variant has not been reported in the literature in individuals with ATP7A-related conditions. This variant is not present in population databases (ExAC no frequency). This sequence change replaces isoleucine with methionine at codon 30 of the ATP7A protein (p.Ile30Met). The isoleucine residue is moderately conserved and there is a small physicochemical difference between isoleucine and methionine.